The following is an entry in ClinVar:

ClinVar aggregate classification (germline): Uncertain significance (1 of 4 stars; one submission).

Conditions:
Paroxysmal central nervous system disorders.

Submission:

Genetics Laboratory, Great Ormond Street Hospital NHS Foundation Trust, North Thames Genomic Laboratory Hub
Classification: Uncertain significance for Paroxysmal central nervous system disorders. Last evaluated: 2026-01-21. Review status: criteria provided, single submitter. Criteria: ACGS Best Practice Guidelines for Variant Classification in Rare Disease 2024 v1.2. Collection method: clinical testing. Allele origin: germline. Affected: yes.
Comment: PS4_supporting, PM2_moderate, PP3_supporting, PP2_supporting

NM_000702.4(ATP1A2):c.2711C>T (p.Thr904Ile)

Gene: ATP1A2 (ATPase Na+/K+ transporting subunit alpha 2; plus strand). Cytogenetic location: 1q23.2.
Variant type: single nucleotide variant.
Coding change: c.2711C>T on transcript NM_000702.4 (MANE Select); coding-DNA position 2711, C replaced by T.
Protein change: p.Thr904Ile; replaces threonine 904 with isoleucine.
Molecular consequence: missense variant.
Genome position (GRCh38, 1-based): chr1:160,136,902, C>T. VCF-style: chr1-160136902-C-T. GRCh37 (hg19) VCF-style: chr1-160106692-C-T.
Other names: short protein forms T904I.
Identifiers: ClinVar variation 4813660 (VCV004813660.1).